The following is an entry in ClinVar:

ClinVar aggregate classification (germline): Uncertain significance (1 of 4 stars; one submission).

Conditions:
Cardiovascular phenotype. Identifiers: MedGen CN230736.

Allele frequency attached by ClinVar (database versions not stated): gnomAD exomes below 0.00001; TOPMed below 0.00001; gnomAD 0.00001.
gnomAD v4.1: 6 of 1,542,130 alleles (0.00039%); highest among the groups gnomAD compares: Non-Finnish European, 0.00053%; no homozygotes.

Submission:

Ambry Genetics
Classification: Uncertain significance for Cardiovascular phenotype. Last evaluated: 2021-11-09. Review status: criteria provided, single submitter. Criteria: Ambry Variant Classification Scheme 2023. Collection method: clinical testing. Allele origin: germline.
Comment: The p.G3006E variant (also known as c.9017G>A), located in coding exon 2 of the ZNF469 gene, results from a G to A substitution at nucleotide position 9017. The glycine at codon 3006 is replaced by glutamic acid, an amino acid with similar properties. This amino acid position is conserved. In addition, this alteration is predicted to be tolerated by in silico analysis. Since supporting evidence is limited at this time, the clinical significance of this alteration remains unclear.

NM_001367624.2(ZNF469):c.9101G>A (p.Gly3034Glu)

Gene: ZNF469 (zinc finger protein 469; plus strand). Cytogenetic location: 16q24.2.
Variant type: single nucleotide variant.
Coding change: c.9101G>A on transcript NM_001367624.2 (MANE Select); coding-DNA position 9101, G replaced by A.
Protein change: p.Gly3034Glu; replaces glycine 3034 with glutamic acid.
Molecular consequence: missense variant.
Genome position (GRCh38, 1-based): chr16:88,436,571, G>A. VCF-style: chr16-88436571-G-A. GRCh37 (hg19) VCF-style: chr16-88502979-G-A.
Other names: NM_001127464.1:c.9017G>A; short protein forms G3034E.
Identifiers: ClinVar variation 1765484 (VCV001765484.2), dbSNP rs1417540396, ClinGen allele CA397120732.